The following is an entry in ClinVar:

NM_000465.4(BARD1):c.80_81delinsTCGCGGTG (p.Glu27delinsValAlaVal)

Gene: BARD1 (BRCA1 associated RING domain 1; minus strand). Cytogenetic location: 2q35.
Variant type: Indel.
Coding change: c.80_81delinsTCGCGGTG on transcript NM_000465.4 (MANE Select); coding-DNA positions 80 to 81, AA replaced by TCGCGGTG.
Protein change: p.Glu27delinsValAlaVal.
Molecular consequence: inframe indel. On other transcripts: non-coding transcript variant (3).
Genome position (GRCh38, 1-based): chr2:214,809,489-214,809,490, TT replaced by CACCGCGA on the plus strand (AA replaced by TCGCGGTG on the coding strand, the reverse complement: BARD1 is on the minus strand). VCF-style: chr2-214809489-TT-CACCGCGA. GRCh37 (hg19) VCF-style: chr2-215674213-TT-CACCGCGA.
Other names: c.80_81delinsTCGCGGTG, p.Glu27delinsValAlaVal (NM_001282543.2, NM_001282545.2, NM_001282548.2 and 1 more transcripts).
Identifiers: ClinVar variation 182035 (VCV000182035.3), dbSNP rs730881410, ClinGen allele CA298442.

ClinVar aggregate classification (germline): Uncertain significance. Review status: criteria provided, multiple submitters, no conflicts (2 of 4 stars). 2 submissions from 2 submitters: Uncertain significance (2). Last evaluated 2026-09-03.

Conditions:
Hereditary cancer-predisposing syndrome. Also called: Neoplastic Syndromes, Hereditary; Hereditary Cancer Syndrome; Tumor predisposition; Hereditary neoplastic syndrome. Identifiers: Orphanet 140162, MedGen C0027672, MeSH D009386, MONDO:0015356.

Submissions (2):

Ambry Genetics
Classification: Uncertain significance for Hereditary cancer-predisposing syndrome. Last evaluated: 2026-09-03. Review status: criteria provided, single submitter. Criteria: Ambry Variant Classification Scheme 2023. Collection method: clinical testing. Allele origin: germline.
Comment: The c.80_81delAAinsTCGCGGTG variant (also known as p.E27delinsVAV), located in coding exon 1 of the BARD1 gene, results from an in-frame deletion of AA and insertion of TCGCGGTG at nucleotide positions 80 to 81. This results in the deletion of a glutamic acid residue and the insertion 3 residues (VAV) at codon 27. This amino acid position is not well conserved in available vertebrate species. In addition, the in silico prediction for this variant is inconclusive (Choi Y et al. PLoS ONE. 2012; 7(10):e46688). Based on the available evidence, the clinical significance of this variant remains unclear.

GeneDx
Classification: Uncertain significance. Last evaluated: 2014-09-30. Review status: criteria provided, single submitter. Criteria: GeneDx Variant Classification (06012015). Collection method: clinical testing. Allele origin: germline. Affected: yes.
Comment: This variant is denoted BARD1 c.80_81delAAinsTCGCGGTG at the cDNA level and p.Glu27delinsValAlaVal (E27delinsVAV) at the protein level. The normal sequence, with the bases that are deleted and inserted in brackets, is ATGG[delAAinsTCGCGGTG]CCGG. The deletion and insertion results in the replacement of a Glutamic Acid residue with 3 residues: Valine, Alanine, and Valine. This variant has not, to our knowledge, been published in the literature as pathogenic or benign. BARD1 c.80_81delAAinsTCGCGGTG was not observed in approximately 6,500 individuals of European and African American ancestry in the NHLBI Exome Sequencing Project, indicating it is not a common benign variant in these populations. This variant occurs at a position that is moderately conserved through mammals and is located in the region of interaction with BRCA1 (UniProt). Based on currently available information, it is unclear whether this variant is pathogenic or benign. We consider it to be a variant of uncertain significance.